The following is an entry in ClinVar:

ClinVar aggregate classification (germline): Uncertain significance (1 of 4 stars; one submission).

Conditions:
Wilms tumor 1 (WT1). Also called: Wilms tumor, somatic. Identifiers: Orphanet 654, MedGen CN033288, MONDO:0008679, OMIM 194070.

Submission:

Labcorp Genetics (formerly Invitae), Labcorp
Classification: Uncertain significance for Wilms tumor 1. Last evaluated: 2020-09-09. Review status: criteria provided, single submitter. Criteria: Invitae Variant Classification Sherloc (09022015). Collection method: clinical testing. Allele origin: germline.
Comment: In summary, the available evidence is currently insufficient to determine the role of this variant in disease. Therefore, it has been classified as a Variant of Uncertain Significance. Algorithms developed to predict the effect of missense changes on protein structure and function are either unavailable or do not agree on the potential impact of this missense change (SIFT: "Tolerated"; PolyPhen-2: "Probably Damaging"; Align-GVGD: "Class C0"). This variant has not been reported in the literature in individuals with GPC3-related conditions. This variant is not present in population databases (ExAC no frequency). This sequence change replaces serine with threonine at codon 97 of the GPC3 protein (p.Ser97Thr). The serine residue is moderately conserved and there is a small physicochemical difference between serine and threonine.

NM_004484.4(GPC3):c.290G>C (p.Ser97Thr)

Gene: GPC3 (glypican 3; minus strand). Cytogenetic location: Xq26.2.
Variant type: single nucleotide variant.
Coding change: c.290G>C on transcript NM_004484.4 (MANE Select); coding-DNA position 290, G replaced by C.
Protein change: p.Ser97Thr; replaces serine 97 with threonine.
Molecular consequence: missense variant. On other transcripts: intron variant (1), splice donor variant (1).
Genome position (GRCh38, 1-based): chrX:133,953,097, C>G on the plus strand (G>C on the coding strand, the complement: GPC3 is on the minus strand). VCF-style: chrX-133953097-C-G. GRCh37 (hg19) VCF-style: chrX-133087124-C-G.
Other names: c.290G>C, p.Ser97Thr (NM_001164617.2); c.175+32178G>C (NM_001164619.2); c.289+1G>C (NM_001164618.2); short protein forms S97T.
Identifiers: ClinVar variation 1017394 (VCV001017394.9), dbSNP rs2076400276, ClinGen allele CA414707368.